The following is an entry in ClinVar:

ClinVar aggregate classification (germline): Uncertain significance (1 of 4 stars; one submission).

Allele frequency attached by ClinVar (database versions not stated): TOPMed below 0.00001; ExAC 0.00001; gnomAD exomes 0.00001.
gnomAD v4.1: 4 of 1,614,014 alleles (0.00025%); highest among the groups gnomAD compares: Middle Eastern, 0.066%; no homozygotes.

Submission:

Labcorp Genetics (formerly Invitae), Labcorp
Classification: Uncertain significance. Last evaluated: 2024-02-17. Review status: criteria provided, single submitter. Criteria: Invitae Variant Classification Sherloc (09022015). Collection method: clinical testing. Allele origin: germline.
Comment: This sequence change replaces serine, which is neutral and polar, with cysteine, which is neutral and slightly polar, at codon 477 of the RTTN protein (p.Ser477Cys). This variant is present in population databases (rs777309515, gnomAD 0.003%). This variant has not been reported in the literature in individuals affected with RTTN-related conditions. ClinVar contains an entry for this variant (Variation ID: 1517016). Advanced modeling of protein sequence and biophysical properties (such as structural, functional, and spatial information, amino acid conservation, physicochemical variation, residue mobility, and thermodynamic stability) has been performed at Invitae for this missense variant, however the output from this modeling did not meet the statistical confidence thresholds required to predict the impact of this variant on RTTN protein function. In summary, the available evidence is currently insufficient to determine the role of this variant in disease. Therefore, it has been classified as a Variant of Uncertain Significance.

NM_173630.4(RTTN):c.1430C>G (p.Ser477Cys)

Gene: RTTN (rotatin; minus strand). Cytogenetic location: 18q22.2.
Variant type: single nucleotide variant.
Coding change: c.1430C>G on transcript NM_173630.4 (MANE Select); coding-DNA position 1430, C replaced by G.
Protein change: p.Ser477Cys; replaces serine 477 with cysteine.
Molecular consequence: missense variant. On other transcripts: 5 prime UTR variant (1).
Genome position (GRCh38, 1-based): chr18:70,176,721, G>C on the plus strand (C>G on the coding strand, the complement: RTTN is on the minus strand). VCF-style: chr18-70176721-G-C. GRCh37 (hg19) VCF-style: chr18-67843957-G-C.
Other names: c.-1124C>G (NM_001318520.2); short protein forms S477C.
Identifiers: ClinVar variation 1517016 (VCV001517016.8), dbSNP rs777309515, ClinGen allele CA8996176.